The following is an entry in ClinVar:

ClinVar aggregate classification (germline): Uncertain significance (1 of 4 stars; one submission).

Conditions:
Nemaline myopathy 2 (NEM2). Also called: Nemaline myopathy 2, autosomal recessive. Identifiers: MedGen C1850569, MONDO:0009725, OMIM 256030.

Submission:

Labcorp Genetics (formerly Invitae), Labcorp
Classification: Uncertain significance for Nemaline myopathy 2. Last evaluated: 2021-08-05. Review status: criteria provided, single submitter. Criteria: Invitae Variant Classification Sherloc (09022015). Collection method: clinical testing. Allele origin: germline.
Comment: This sequence change replaces tyrosine with cysteine at codon 6234 of the NEB protein (p.Tyr6234Cys). The tyrosine residue is moderately conserved and there is a large physicochemical difference between tyrosine and cysteine. This variant is not present in population databases (ExAC no frequency). This variant has not been reported in the literature in individuals affected with NEB-related conditions. Algorithms developed to predict the effect of missense changes on protein structure and function are either unavailable or do not agree on the potential impact of this missense change (SIFT: "Deleterious"; PolyPhen-2: "Not Available"; Align-GVGD: "Class C0"). In summary, the available evidence is currently insufficient to determine the role of this variant in disease. Therefore, it has been classified as a Variant of Uncertain Significance.

NM_001164508.2(NEB):c.18701A>G (p.Tyr6234Cys)

Gene: NEB (nebulin; minus strand). Cytogenetic location: 2q23.3.
Variant type: single nucleotide variant.
Coding change: c.18701A>G on transcript NM_001164508.2 (MANE Select); coding-DNA position 18701, A replaced by G.
Protein change: p.Tyr6234Cys; replaces tyrosine 6234 with cysteine.
Molecular consequence: missense variant.
Genome position (GRCh38, 1-based): chr2:151,562,801, T>C on the plus strand (A>G on the coding strand, the complement: NEB is on the minus strand). VCF-style: chr2-151562801-T-C. GRCh37 (hg19) VCF-style: chr2-152419315-T-C.
Other names: c.18701A>G, p.Tyr6234Cys (NM_001164507.2, NM_001271208.2); c.13598A>G, p.Tyr4533Cys (NM_004543.5); short protein forms Y6234C, Y4533C.
Identifiers: ClinVar variation 1963770 (VCV001963770.2), dbSNP rs2552190585, ClinGen allele CA348798486.